The following is an entry in ClinVar:

ClinVar aggregate classification (germline): Uncertain significance. Review status: criteria provided, multiple submitters, no conflicts (2 of 4 stars). 2 submissions from 2 submitters: Uncertain significance (2). Last evaluated 2026-04-09.

Conditions:
Bethlem myopathy 1A. Also called: Bethlem myopathy 1; MYOPATHY, BENIGN CONGENITAL, WITH CONTRACTURES; Bethlem Muscular Dystrophy. Identifiers: Orphanet 610, MedGen CN029274, MONDO:0024530, OMIM 158810.

Allele frequency attached by ClinVar (database versions not stated): gnomAD 0.00006; ExAC 0.00002.
gnomAD v4.1: 14 of 1,612,928 alleles (0.00087%); highest among the groups gnomAD compares: East Asian, 0.0022%; no homozygotes.

Submissions (2):

Dasa
Classification: Uncertain significance. Last evaluated: 2026-04-09. Review status: criteria provided, single submitter. Criteria: DASA Assertion Criteria. Collection method: clinical testing. Allele origin: germline.
Comment: NM_001849.4(COL6A2):c.289G>A (p.Gly97Ser) is a missense variant that results in the substitution of glycine with serine. This variant is rare in population databases. Computational prediction algorithms are consistent with a deleterious effect. The currently available literature and clinical evidence are not sufficient to establish a definitive association between this variant and the reported condition. Therefore, this variant is classified as a variant of uncertain significance.

Labcorp Genetics (formerly Invitae), Labcorp
Classification: Uncertain significance for Bethlem myopathy 1A. Last evaluated: 2024-10-31. Review status: criteria provided, single submitter. Criteria: Invitae Variant Classification Sherloc (09022015). Collection method: clinical testing. Allele origin: germline.
Comment: This sequence change replaces glycine, which is neutral and non-polar, with serine, which is neutral and polar, at codon 97 of the COL6A2 protein (p.Gly97Ser). This variant is present in population databases (rs750027302, gnomAD 0.004%). This variant has not been reported in the literature in individuals affected with COL6A2-related conditions. ClinVar contains an entry for this variant (Variation ID: 476478). Invitae Evidence Modeling of protein sequence and biophysical properties (such as structural, functional, and spatial information, amino acid conservation, physicochemical variation, residue mobility, and thermodynamic stability) has been performed for this missense variant. However, the output from this modeling did not meet the statistical confidence thresholds required to predict the impact of this variant on COL6A2 protein function. In summary, the available evidence is currently insufficient to determine the role of this variant in disease. Therefore, it has been classified as a Variant of Uncertain Significance.

NM_001849.4(COL6A2):c.289G>A (p.Gly97Ser)

Gene: COL6A2 (collagen type VI alpha 2 chain; plus strand). Cytogenetic location: 21q22.3.
Variant type: single nucleotide variant.
Coding change: c.289G>A on transcript NM_001849.4 (MANE Select); coding-DNA position 289, G replaced by A.
Protein change: p.Gly97Ser; replaces glycine 97 with serine.
Molecular consequence: missense variant.
Genome position (GRCh38, 1-based): chr21:46,112,152, G>A. VCF-style: chr21-46112152-G-A. GRCh37 (hg19) VCF-style: chr21-47532066-G-A.
Other names: c.289G>A, p.Gly97Ser (NM_058174.3, NM_058175.3); short protein forms G97S.
Identifiers: ClinVar variation 476478 (VCV000476478.9), dbSNP rs750027302, ClinGen allele CA10071255.